The following is an entry in ClinVar:

ClinVar aggregate classification (germline): Likely benign (1 of 4 stars; one submission).

gnomAD v4.1: 15 of 1,547,914 alleles (0.00097%); highest among the groups gnomAD compares: Admixed American, 0.013%; no homozygotes.

Submission:

CeGaT Center for Human Genetics Tuebingen
Classification: Likely benign. Last evaluated: 2026-01-01. Review status: criteria provided, single submitter. Criteria: CeGaT Center For Human Genetics Tuebingen Variant Classification Criteria Version 2. Collection method: clinical testing. Allele origin: germline. Affected: yes. Observed: 1 variant allele.
Comment: CAPN15: BP4, BP7

NM_005632.3(CAPN15):c.1221C>T (p.Arg407=)

Gene: CAPN15 (calpain 15; plus strand). Cytogenetic location: 16p13.3.
Variant type: single nucleotide variant.
Coding change: c.1221C>T on transcript NM_005632.3 (MANE Select); coding-DNA position 1221, C replaced by T.
Protein change: p.Arg407=; no amino-acid change (arginine 407 retained).
Molecular consequence: synonymous variant.
Genome position (GRCh38, 1-based): chr16:548,059, C>T. VCF-style: chr16-548059-C-T. GRCh37 (hg19) VCF-style: chr16-598059-C-T.
Identifiers: ClinVar variation 4822410 (VCV004822410.4).